The following is an entry in ClinVar:

ClinVar aggregate classification (germline): Uncertain significance (1 of 4 stars; one submission).

gnomAD v4.1: 1 of 1,612,816 alleles (0.000062%); highest among the groups gnomAD compares: African/African-American, 0.0013%; no homozygotes.

Submission:

GeneDx
Classification: Uncertain significance. Last evaluated: 2016-11-15. Review status: criteria provided, single submitter. Criteria: GeneDx Variant Classification (06012015). Collection method: clinical testing. Allele origin: germline. Affected: yes.
Comment: The A216G variant in the AP4B1 gene has not been reported previously as a pathogenic variant, nor as a benign variant, to our knowledge. The A216G variant was not observed in approximately 6500 individuals of European and African American ancestry in the NHLBI Exome Sequencing Project, indicating it is not a common benign variant in these populations. The A216G variant is a conservative amino acid substitution, which is not likely to impact secondary protein structure as these residues share similar properties. This substitution occurs at a position that is not conserved. In silico analysis is inconsistent in its predictions as to whether or not the variant is damaging to the protein structure/function. We interpret A216G as a variant of uncertain significance.

NM_001253852.3(AP4B1):c.647C>G (p.Ala216Gly)

Genes: AP4B1 (adaptor related protein complex 4 subunit beta 1; minus strand), AP4B1-AS1 (AP4B1 antisense RNA 1; plus strand). Cytogenetic location: 1p13.2.
Variant type: single nucleotide variant.
Coding change: c.647C>G on transcript NM_001253852.3 (MANE Select); coding-DNA position 647, C replaced by G.
Protein change: p.Ala216Gly; replaces alanine 216 with glycine.
Molecular consequence: missense variant. On other transcripts: non-coding transcript variant (2).
Genome position (GRCh38, 1-based): chr1:113,900,371, G>C on the plus strand (C>G on the coding strand, the complement: AP4B1 is on the minus strand). VCF-style: chr1-113900371-G-C. GRCh37 (hg19) VCF-style: chr1-114442993-G-C.
Other names: c.350C>G, p.Ala117Gly (NM_001253853.3); c.143C>G, p.Ala48Gly (NM_001308312.2); c.647C>G, p.Ala216Gly (NM_006594.5); short protein forms A216G, A117G, A48G.
Identifiers: ClinVar variation 390620 (VCV000390620.2), dbSNP rs752781534, ClinGen allele CA16603384.
Genomic context (GRCh38, chr1:113,900,371, plus strand): 5'-ATGTCAAATAGTTCTTCCTCACTGCGGGGTTGGTAGCGTAGCAGAAAGTTCAATACTTCA[G>C]CCTGGCCCCATTGGTCCAGTTTTGACATTCTATCCAAAAAACAAAACAAAAGAGCTATTT-3'
Protein context (NP_001240781.1, residues 206-226): RMSKLDQWGQ[Ala216Gly]EVLNFLLRYQ